The following is an entry in ClinVar:

ClinVar aggregate classification (germline): Uncertain significance (1 of 4 stars; one submission).

Conditions:
Dilated cardiomyopathy 1W (CMD1W). Identifiers: Orphanet 154, MedGen C1969639, MONDO:0012667, OMIM 611407.

Submission:

Labcorp Genetics (formerly Invitae), Labcorp
Classification: Uncertain significance for Dilated cardiomyopathy 1W. Last evaluated: 2023-04-22. Review status: criteria provided, single submitter. Criteria: Invitae Variant Classification Sherloc (09022015). Collection method: clinical testing. Allele origin: germline.
Comment: An algorithm developed to predict the effect of missense changes on protein structure and function (PolyPhen-2) suggests that this variant is likely to be tolerated. In summary, the available evidence is currently insufficient to determine the role of this variant in disease. Therefore, it has been classified as a Variant of Uncertain Significance. This variant is not present in population databases (gnomAD no frequency). This variant has not been reported in the literature in individuals affected with VCL-related conditions. This sequence change replaces glutamine, which is neutral and polar, with arginine, which is basic and polar, at codon 179 of the VCL protein (p.Gln179Arg).

NM_014000.3(VCL):c.536A>G (p.Gln179Arg)

Gene: VCL (vinculin; plus strand). Cytogenetic location: 10q22.2.
Variant type: single nucleotide variant.
Coding change: c.536A>G on transcript NM_014000.3 (MANE Select); coding-DNA position 536, A replaced by G.
Protein change: p.Gln179Arg; replaces glutamine 179 with arginine.
Molecular consequence: missense variant.
Genome position (GRCh38, 1-based): chr10:74,072,766, A>G. VCF-style: chr10-74072766-A-G. GRCh37 (hg19) VCF-style: chr10-75832524-A-G.
Other names: c.536A>G, p.Gln179Arg (NM_003373.4); short protein forms Q179R.
Identifiers: ClinVar variation 2858270 (VCV002858270.3), dbSNP rs1564523578, ClinGen allele CA377267961.